The following is an entry in ClinVar:

ClinVar aggregate classification (germline): Benign/Likely benign. Review status: criteria provided, multiple submitters, no conflicts (2 of 4 stars). 7 submissions from 7 submitters: Benign (2); Likely benign (4). 1 of the submissions does not count toward it. Last evaluated 2026-01-05.

Conditions:
Inborn genetic diseases. Identifiers: MedGen C0950123, MeSH D030342.
Autosomal dominant nonsyndromic hearing loss 1. Also called: KONIGSMARK SYNDROME; DEAFNESS, AUTOSOMAL DOMINANT 1, WITH OR WITHOUT THROMBOCYTOPENIA. Identifiers: Orphanet 90635, MedGen C1852282, MONDO:0007424, OMIM 124900.
Progressive microcephaly-seizures-cortical blindness-developmental delay syndrome. Also called: Seizures, cortical blindness, and microcephaly syndrome. Identifiers: Orphanet 477814, MedGen C5567650, MONDO:0014714, OMIM 616632.
DIAPH1-related disorder. Also called: DIAPH1-related condition.

Allele frequency attached by ClinVar (database versions not stated): gnomAD exomes 0.00015 and 0.00074; gnomAD 0.00030 and 0.00032; TOPMed 0.00041; 1000 Genomes Project 30x 0.00094; 1000 Genomes Project 0.00100; ExAC 0.00117.
gnomAD v4.1: 296 of 1,518,218 alleles (0.019%); highest among the groups gnomAD compares: East Asian, 0.52%; 1 homozygote.

Submissions (7):

Labcorp Genetics (formerly Invitae), Labcorp
Classification: Benign for Progressive microcephaly-seizures-cortical blindness-developmental delay syndrome; Autosomal dominant nonsyndromic hearing loss 1. Last evaluated: 2026-01-05. Review status: criteria provided, single submitter. Criteria: Invitae Variant Classification Sherloc (09022015). Collection method: clinical testing. Allele origin: germline.

CeGaT Center for Human Genetics Tuebingen
Classification: Likely benign. Last evaluated: 2025-03-01. Review status: criteria provided, single submitter. Criteria: CeGaT Center For Human Genetics Tuebingen Variant Classification Criteria Version 2. Collection method: clinical testing. Allele origin: germline. Affected: yes. Observed: 2 variant alleles.
Comment: DIAPH1: BP4

Blueprint Genetics
Classification: Likely benign. Last evaluated: 2024-11-14. Review status: criteria provided, single submitter. Criteria: ACMG Guidelines, 2015. Collection method: clinical testing. Allele origin: germline.

Ambry Genetics
Classification: Likely benign for Inborn genetic diseases. Last evaluated: 2021-12-10. Review status: criteria provided, single submitter. Criteria: Ambry Variant Classification Scheme 2023. Collection method: clinical testing. Allele origin: germline.

GeneDx
Classification: Benign. Last evaluated: 2019-10-03. Review status: criteria provided, single submitter. Criteria: GeneDx Variant Classification Process June 2021. Collection method: clinical testing. Allele origin: germline. Affected: yes.
Comment: This variant is associated with the following publications: (PMID: 30245029, 22938506, 23967202, 25262649)

Illumina Laboratory Services, Illumina
Classification: Likely benign for Autosomal dominant nonsyndromic hearing loss 1. Last evaluated: 2017-04-27. Review status: criteria provided, single submitter. Criteria: ICSL Variant Classification Criteria 13 December 2019. Collection method: clinical testing. Allele origin: germline.
Comment: This variant was observed as part of a predisposition screen in an ostensibly healthy population. A literature search was performed for the gene, cDNA change, and amino acid change (where applicable). Publications were found based on this search. The evidence from the literature, in combination with allele frequency data from public databases where available, was sufficient to determine this variant is unlikely to cause disease. Therefore, this variant is classified as likely benign.

PreventionGenetics, part of Exact Sciences
Classification: Benign for DIAPH1-related condition. Last evaluated: 2019-08-26. Review status: no assertion criteria provided. Collection method: clinical testing. Allele origin: germline. Not counted in ClinVar's aggregate classification.
Comment: This variant is classified as benign based on ACMG/AMP sequence variant interpretation guidelines (Richards et al. 2015 PMID: 25741868, with internal and published modifications).

Literature cited by the submitters: PubMed 22938506 (cited by Illumina Laboratory Services, Illumina).

NM_005219.5(DIAPH1):c.2032C>T (p.Pro678Ser)

Gene: DIAPH1 (diaphanous related formin 1; minus strand). Cytogenetic location: 5q31.3.
Variant type: single nucleotide variant.
Coding change: c.2032C>T on transcript NM_005219.5 (MANE Select); coding-DNA position 2032, C replaced by T.
Protein change: p.Pro678Ser; replaces proline 678 with serine.
Molecular consequence: missense variant.
Genome position (GRCh38, 1-based): chr5:141,573,818, G>A on the plus strand (C>T on the coding strand, the complement: DIAPH1 is on the minus strand). VCF-style: chr5-141573818-G-A. GRCh37 (hg19) VCF-style: chr5-140953385-G-A.
Other names: c.2005C>T, p.Pro669Ser (NM_001079812.3); c.2032C>T, p.Pro678Ser (NM_001314007.2); short protein forms P678S, P669S.
Identifiers: ClinVar variation 351290 (VCV000351290.36), dbSNP rs186370335, ClinGen allele CA3479173.
Genomic context (GRCh38, chr5:141,573,818, plus strand): 5'-CACTCCCAGGCAAAGGAGGTGGTGGTGGGGGGATTCTAGCACTCCCAGGCAAAGGAGGAG[G>A]TGGGGGGATGGCAGTACCTCCAGGCAAAGAAGAGGGTGAAGGGATGCCAACACCCTCAGG-3'
Protein context (NP_005210.3, residues 668-688): SLPGGTAIPP[Pro678Ser]PPLPGSARIP